The following is an entry in ClinVar:

NM_001291303.3(FAT4):c.8340T>A (p.Ser2780Arg)

Gene: FAT4 (FAT atypical cadherin 4; plus strand). Cytogenetic location: 4q28.1.
Variant type: single nucleotide variant.
Coding change: c.8340T>A on transcript NM_001291303.3 (MANE Select); coding-DNA position 8340, T replaced by A.
Protein change: p.Ser2780Arg; replaces serine 2780 with arginine.
Molecular consequence: missense variant.
Genome position (GRCh38, 1-based): chr4:125,449,350, T>A. VCF-style: chr4-125449350-T-A. GRCh37 (hg19) VCF-style: chr4-126370505-T-A.
Other names: c.8340T>A, p.Ser2780Arg (NM_001291285.3); c.8334T>A, p.Ser2778Arg (NM_024582.6); short protein forms S2780R, S2778R.
Identifiers: ClinVar variation 2040407 (VCV002040407.4), dbSNP rs2530895410, ClinGen allele CA358145832.

ClinVar aggregate classification (germline): Uncertain significance (1 of 4 stars; one submission).

Submission:

Labcorp Genetics (formerly Invitae), Labcorp
Classification: Uncertain significance. Last evaluated: 2021-12-12. Review status: criteria provided, single submitter. Criteria: Invitae Variant Classification Sherloc (09022015). Collection method: clinical testing. Allele origin: germline.
Comment: In summary, the available evidence is currently insufficient to determine the role of this variant in disease. Therefore, it has been classified as a Variant of Uncertain Significance. Advanced modeling of protein sequence and biophysical properties (such as structural, functional, and spatial information, amino acid conservation, physicochemical variation, residue mobility, and thermodynamic stability) performed at Invitae indicates that this missense variant is not expected to disrupt FAT4 protein function. This variant has not been reported in the literature in individuals affected with FAT4-related conditions. This variant is not present in population databases (gnomAD no frequency). This sequence change replaces serine, which is neutral and polar, with arginine, which is basic and polar, at codon 2778 of the FAT4 protein (p.Ser2778Arg).